The following is an entry in ClinVar:

NM_001114.5(ADCY7):c.1439C>T (p.Ala480Val)

Gene: ADCY7 (adenylate cyclase 7; plus strand). Cytogenetic location: 16q12.1.
Variant type: single nucleotide variant.
Coding change: c.1439C>T on transcript NM_001114.5 (MANE Select); coding-DNA position 1439, C replaced by T.
Protein change: p.Ala480Val; replaces alanine 480 with valine.
Molecular consequence: missense variant.
Genome position (GRCh38, 1-based): chr16:50,304,430, C>T. VCF-style: chr16-50304430-C-T. GRCh37 (hg19) VCF-style: chr16-50338341-C-T.
Other names: c.1439C>T, p.Ala480Val (NM_001286057.2); short protein forms A480V.
Identifiers: ClinVar variation 4083714 (VCV004083714.8).

ClinVar aggregate classification (germline): Benign (1 of 4 stars; one submission).

gnomAD v4.1: 7,051 of 1,605,442 alleles (0.44%); highest among the groups gnomAD compares: Middle Eastern, 1.4%; 39 homozygotes.

Submission:

CeGaT Center for Human Genetics Tuebingen
Classification: Benign. Last evaluated: 2025-07-01. Review status: criteria provided, single submitter. Criteria: CeGaT Center For Human Genetics Tuebingen Variant Classification Criteria Version 2. Collection method: clinical testing. Allele origin: germline. Affected: yes. Observed: 1 variant allele.
Comment: ADCY7: BS1, BS2